The following is an entry in ClinVar:

ClinVar aggregate classification (germline): Pathogenic/Likely pathogenic. Review status: criteria provided, multiple submitters, no conflicts (2 of 4 stars). 6 submissions from 6 submitters: Pathogenic (1); Likely pathogenic (5). Last evaluated 2026-10-07.

Conditions:
NF1-related disorder. Also called: NF1-related condition. Identifiers: MedGen CN379171.
Hereditary cancer-predisposing syndrome. Also called: Neoplastic Syndromes, Hereditary; Tumor predisposition; Hereditary Cancer Syndrome; Hereditary neoplastic syndrome. Identifiers: Orphanet 140162, MedGen C0027672, MeSH D009386, MONDO:0015356.
Cardiovascular phenotype. Identifiers: MedGen CN230736.
Neurofibromatosis, type 1 (NF1). Also called: Neurofibromatosis, type I; VON RECKLINGHAUSEN DISEASE; NEUROFIBROMATOSIS, TYPE I, SOMATIC; Peripheral type neurofibromatosis. Identifiers: Orphanet 636, MedGen C0027831, MONDO:0018975, OMIM 162200. Disease mechanism: loss of function.

Submissions (6):

GeneDx
Classification: Likely pathogenic. Last evaluated: 2026-10-07. Review status: criteria provided, single submitter. Criteria: GeneDx Variant Classification Process June 2021. Collection method: clinical testing. Allele origin: germline.
Comment: Identified in patients with confirmed or suspected neurofibromatosis type 1 (NF1) in published literature (PMID: 23913538, 27838393, 31730495); Not observed at significant frequency in large population cohorts (gnomAD); In silico analysis supports that this missense variant has a deleterious effect on protein structure/function; This variant is associated with the following publications: (PMID: 23913538, 27838393, 31730495, 23656349, 22807134, 2121369, 25486365)

Blueprint Genetics
Classification: Likely pathogenic for NF1-related disorders. Last evaluated: 2023-12-11. Review status: criteria provided, single submitter. Criteria: ACMG Guidelines, 2015. Collection method: clinical testing. Allele origin: germline. Affected: yes. Observed: 1 variant allele.

Clinical Genetics Laboratory, Skane University Hospital Lund
Classification: Likely pathogenic. Last evaluated: 2023-07-25. Review status: criteria provided, single submitter. Criteria: ACMG Guidelines, 2015. Collection method: clinical testing. Allele origin: germline. Affected: yes.

Greenwood Genetic Center Diagnostic Laboratories, Greenwood Genetic Center
Classification: Likely pathogenic for NF1-related disorder. Last evaluated: 2023-03-08. Review status: criteria provided, single submitter. Criteria: ACMG Guidelines, 2015. Collection method: clinical testing. Allele origin: germline. Affected: yes.
Comment: PS4_Moderate, PM2, PP2, PP3

Labcorp Genetics (formerly Invitae), Labcorp
Classification: Pathogenic for Neurofibromatosis, type 1. Last evaluated: 2021-04-14. Review status: criteria provided, single submitter. Criteria: Invitae Variant Classification Sherloc (09022015). Collection method: clinical testing. Allele origin: germline.
Comment: Advanced modeling of protein sequence and biophysical properties (such as structural, functional, and spatial information, amino acid conservation, physicochemical variation, residue mobility, and thermodynamic stability) performed at Invitae indicates that this missense variant is expected to disrupt NF1 protein function. This variant has been observed in individuals affected with neurofibromatosis type 1 (PMID: 23913538, 27838393, 31730495). ClinVar contains an entry for this variant (Variation ID: 649604). This variant is not present in population databases (ExAC no frequency). This sequence change replaces glycine with serine at codon 1190 of the NF1 protein (p.Gly1190Ser). The glycine residue is moderately conserved and there is a small physicochemical difference between glycine and serine. This variant disrupts the p.Gly1190 amino acid residue in NF1. Other variants that disrupt this residue have been observed in affected individuals (PMID: 23656349, Invitae), suggesting that it is a clinically significant residue. As a result, variants that disrupt this residue are likely to be causative of disease. For these reasons, this variant has been classified as Pathogenic.

Ambry Genetics
Classification: Likely pathogenic for Cardiovascular phenotype; Hereditary cancer-predisposing syndrome. Last evaluated: 2016-12-08. Review status: criteria provided, single submitter. Criteria: Ambry Variant Classification Scheme 2023. Collection method: clinical testing. Allele origin: germline.
Comment: The p.G1190S variant (also known as c.3568G>A), located in coding exon 27 of the NF1 gene, results from a G to A substitution at nucleotide position 3568. The glycine at codon 1190 is replaced by serine, an amino acid with similar properties. This alteration has been detected in two individuals who met NIH diagnostic criteria for Neurofibromatosis type 1(Sabbagh A et al. Hum. Mutat., 2013 Nov;34:1510-8; Cal&igrave; F et al. Eur J Med Genet, 2016 Nov). In addition, another alteration located at the same position, p.G1190D (c.3569G>A ), has been reported in an individual with symptoms of Neurofibromatosis type 1(van Minkelen R et al. Clin. Genet., 2014 Apr;85:318-27). This amino acid position is highly conserved in available vertebrate species. In addition, this alteration is predicted to be deleterious by in silico analysis. Based on the majority of available evidence to date, this variant is likely to be pathogenic.

Literature cited by the submitters: PubMed 23913538 (cited by Labcorp Genetics (formerly Invitae), Labcorp); PubMed 27838393 (cited by Labcorp Genetics (formerly Invitae), Labcorp); PubMed 31730495 (cited by Labcorp Genetics (formerly Invitae), Labcorp); PubMed 23656349 (cited by Labcorp Genetics (formerly Invitae), Labcorp).

NM_001042492.3(NF1):c.3568G>A (p.Gly1190Ser)

Gene: NF1 (neurofibromin 1; plus strand). Cytogenetic location: 17q11.2.
Variant type: single nucleotide variant.
Coding change: c.3568G>A on transcript NM_001042492.3 (MANE Select); coding-DNA position 3568, G replaced by A.
Protein change: p.Gly1190Ser; replaces glycine 1190 with serine.
Molecular consequence: missense variant.
Genome position (GRCh38, 1-based): chr17:31,233,073, G>A. VCF-style: chr17-31233073-G-A. GRCh37 (hg19) VCF-style: chr17-29560091-G-A.
Other names: c.3568G>A, p.Gly1190Ser (NM_000267.4); short protein forms G1190S.
Identifiers: ClinVar variation 649604 (VCV000649604.14), dbSNP rs1597719982, ClinGen allele CA398990088.